The following is an entry in ClinVar:

ClinVar aggregate classification (germline): Uncertain significance. Review status: criteria provided, multiple submitters, no conflicts (2 of 4 stars). 3 submissions from 3 submitters: Uncertain significance (3). Last evaluated 2025-11-24.

Conditions:
Inborn genetic diseases. Identifiers: MedGen C0950123, MeSH D030342.
KBG syndrome (KBGS). Also called: ANKRD11-Related KBG Syndrome. Identifiers: Orphanet 2332, MedGen C0220687, MONDO:0007846, OMIM 148050.

Submissions (3):

Labcorp Genetics (formerly Invitae), Labcorp
Classification: Uncertain significance for KBG syndrome. Last evaluated: 2025-11-24. Review status: criteria provided, single submitter. Criteria: Invitae Variant Classification Sherloc (09022015). Collection method: clinical testing. Allele origin: germline.
Comment: This sequence change replaces arginine, which is basic and polar, with histidine, which is basic and polar, at codon 1789 of the ANKRD11 protein (p.Arg1789His). This variant is present in population databases (no rsID available, gnomAD 0.004%). This variant has not been reported in the literature in individuals affected with ANKRD11-related conditions. ClinVar contains an entry for this variant (Variation ID: 2726218). Invitae Evidence Modeling of protein sequence and biophysical properties (such as structural, functional, and spatial information, amino acid conservation, physicochemical variation, residue mobility, and thermodynamic stability) indicates that this missense variant is not expected to disrupt ANKRD11 protein function with a negative predictive value of 95%. In summary, the available evidence is currently insufficient to determine the role of this variant in disease. Therefore, it has been classified as a Variant of Uncertain Significance.

Ambry Genetics
Classification: Uncertain significance for Inborn genetic diseases. Last evaluated: 2025-08-04. Review status: criteria provided, single submitter. Criteria: Ambry Variant Classification Scheme 2023. Collection method: clinical testing. Allele origin: germline.

ARUP Laboratories, Molecular Genetics and Genomics, ARUP Laboratories
Classification: Uncertain significance for KBG syndrome. Last evaluated: 2024-04-08. Review status: criteria provided, single submitter. Criteria: ARUP Molecular Germline Variant Investigation Process 2024. Collection method: clinical testing. Allele origin: germline.

NM_013275.6(ANKRD11):c.5366G>A (p.Arg1789His)

Gene: ANKRD11 (ankyrin repeat domain 11; minus strand). Cytogenetic location: 16q24.3.
Variant type: single nucleotide variant.
Coding change: c.5366G>A on transcript NM_013275.6 (MANE Select); coding-DNA position 5366, G replaced by A.
Protein change: p.Arg1789His; replaces arginine 1789 with histidine.
Molecular consequence: missense variant.
Genome position (GRCh38, 1-based): chr16:89,281,176, C>T on the plus strand (G>A on the coding strand, the complement: ANKRD11 is on the minus strand). VCF-style: chr16-89281176-C-T. GRCh37 (hg19) VCF-style: chr16-89347584-C-T.
Other names: c.5366G>A, p.Arg1789His (NM_001256182.2, NM_001256183.2); c.5366G>A (NM_013275.4); short protein forms R1789H.
Identifiers: ClinVar variation 2726218 (VCV002726218.5), dbSNP rs1048947362, ClinGen allele CA286514267.